The following is an entry in ClinVar:

ClinVar aggregate classification (germline): Likely pathogenic (1 of 4 stars; one submission).

Submission:

GeneDx
Classification: Likely pathogenic. Last evaluated: 2018-07-02. Review status: criteria provided, single submitter. Criteria: GeneDx Variant Classification (06012015). Collection method: clinical testing. Allele origin: germline. Affected: yes.
Comment: The V62D variant in the SATB2 gene has not been reported previously as a pathogenic variant, nor as a benign variant, to our knowledge. The V62D variant is not observed in large population cohorts (Lek et al., 2016; 1000 Genomes Consortium et al., 2015; Exome Variant Server). The V62D variant is a non-conservative amino acid substitution, which occurs at a position that is conserved across species. In silico analysis predicts this variant is probably damaging to the protein structure/function. The V62D variant is a strong candidate for a pathogenic variant.

NM_001172509.2(SATB2):c.185T>A (p.Val62Asp)

Gene: SATB2 (SATB homeobox 2; minus strand). Cytogenetic location: 2q33.1.
Variant type: single nucleotide variant.
Coding change: c.185T>A on transcript NM_001172509.2 (MANE Select); coding-DNA position 185, T replaced by A.
Protein change: p.Val62Asp; replaces valine 62 with aspartic acid.
Molecular consequence: missense variant. On other transcripts: non-coding transcript variant (1).
Genome position (GRCh38, 1-based): chr2:199,433,499, A>T on the plus strand (T>A on the coding strand, the complement: SATB2 is on the minus strand). VCF-style: chr2-199433499-A-T. GRCh37 (hg19) VCF-style: chr2-200298222-A-T.
Other names: c.185T>A, p.Val62Asp (NM_001172517.1, NM_015265.4); short protein forms V62D.
Identifiers: ClinVar variation 423831 (VCV000423831.2), dbSNP rs1064796649, ClinGen allele CA16617414.
Genomic context (GRCh38, chr2:199,433,499, plus strand): 5'-GCGTGTTCTTCTCTGTTGTCATATTCAAGAGAGCCGTCCAACTGCTCCACGACACAAAAG[A>T]CAGGAATCATCAAACCTGAAGGGACAAAATTCAAGAGCAAAACACAAACATTAAAAAGCA-3'
Protein context (NP_001165980.1, residues 52-72): AKAVGGLMIP[Val62Asp]FCVVEQLDGS